The following is an entry in ClinVar:

NM_000234.3(LIG1):c.790T>C (p.Ser264Pro)

Gene: LIG1 (DNA ligase 1; minus strand). Cytogenetic location: 19q13.33.
Variant type: single nucleotide variant.
Coding change: c.790T>C on transcript NM_000234.3 (MANE Select); coding-DNA position 790, T replaced by C.
Protein change: p.Ser264Pro; replaces serine 264 with proline.
Molecular consequence: missense variant. On other transcripts: non-coding transcript variant (6).
Genome position (GRCh38, 1-based): chr19:48,143,950, A>G on the plus strand (T>C on the coding strand, the complement: LIG1 is on the minus strand). VCF-style: chr19-48143950-A-G. GRCh37 (hg19) VCF-style: chr19-48647207-A-G.
Other names: c.697T>C, p.Ser233Pro (NM_001289063.2); c.586T>C, p.Ser196Pro (NM_001289064.2); c.787T>C, p.Ser263Pro (NM_001320970.2); c.700T>C, p.Ser234Pro (NM_001320971.2); short protein forms S196P, S233P, S234P, S263P, S264P.
Identifiers: ClinVar variation 2635382 (VCV002635382.1), dbSNP rs2514190577, ClinGen allele CA406650967.
Genomic context (GRCh38, chr19:48,143,950, plus strand): 5'-CCGGTTTCCAGCAGGCATCTTCCACGGGATGATAGTTGTTCTTGGCAGGATTGTAACCAG[A>G]TGGATCCAGGGGTCTACGGAGGCAAAACGGAGATTGAATTGCATAGAGCCCTGGGTCAAA-3'
Protein context (NP_000225.1, residues 254-274): EGAAEGPLDP[Ser264Pro]GYNPAKNNYH

ClinVar aggregate classification (germline): Uncertain significance (1 of 4 stars; one submission).

Conditions:
LIG1-related disorder. Also called: LIG1-related condition.

Submission:

PreventionGenetics, part of Exact Sciences
Classification: Uncertain significance for LIG1-related condition. Last evaluated: 2022-11-14. Review status: criteria provided, single submitter. Criteria: ACMG Guidelines, 2015. Collection method: clinical testing. Allele origin: germline.
Comment: The LIG1 c.790T>C variant is predicted to result in the amino acid substitution p.Ser264Pro. To our knowledge, this variant has not been reported in the literature or in a large population database, indicating this variant is rare. At this time, the clinical significance of this variant is uncertain due to the absence of conclusive functional and genetic evidence.